The following is an entry in ClinVar:

NM_004360.5(CDH1):c.1633C>T (p.Arg545Trp)

Gene: CDH1 (cadherin 1; plus strand). Cytogenetic location: 16q22.1.
Variant type: single nucleotide variant.
Coding change: c.1633C>T on transcript NM_004360.5 (MANE Select); coding-DNA position 1633, C replaced by T.
Protein change: p.Arg545Trp; replaces arginine 545 with tryptophan.
Molecular consequence: missense variant. On other transcripts: intron variant (1).
Genome position (GRCh38, 1-based): chr16:68,819,347, C>T. VCF-style: chr16-68819347-C-T. GRCh37 (hg19) VCF-style: chr16-68853250-C-T.
Other names: c.1633C>T (LRG_301t1); c.1450C>T, p.Arg484Trp (NM_001317184.2); c.85C>T, p.Arg29Trp (NM_001317185.2); c.-254-2654C>T (NM_001317186.2); short protein forms R545W, R29W, R484W.
Identifiers: ClinVar variation 446218 (VCV000446218.18), dbSNP rs863224727, ClinGen allele CA396465154.

ClinVar aggregate classification (germline): Uncertain significance. Review status: criteria provided, multiple submitters, no conflicts (2 of 4 stars). 7 submissions from 7 submitters: Uncertain significance (5). 2 of the submissions do not count toward it. Last evaluated 2025-01-17.

Conditions:
Hereditary cancer-predisposing syndrome. Also called: Tumor predisposition; Hereditary Cancer Syndrome; Neoplastic Syndromes, Hereditary; Hereditary neoplastic syndrome. Identifiers: Orphanet 140162, MedGen C0027672, MeSH D009386, MONDO:0015356.
Hereditary diffuse gastric adenocarcinoma (HDGC). Also called: DIFFUSE GASTRIC AND LOBULAR BREAST CANCER SYNDROME. Identifiers: Orphanet 26106, MedGen C1708349, MONDO:0007648, OMIM 137215.
Familial cancer of breast. Also called: Hereditary breast cancer; hereditary breast carcinoma; BREAST CANCER, FAMILIAL. Identifiers: Orphanet 227535, MedGen C0346153, MONDO:0016419, OMIM 114480. Disease mechanism: loss of function.

Allele frequency attached by ClinVar (database versions not stated): gnomAD exomes below 0.00001; TOPMed below 0.00001; gnomAD 0.00001.
gnomAD v4.1: 6 of 1,613,926 alleles (0.00037%); highest among the groups gnomAD compares: South Asian, 0.0011%; no homozygotes.

Submissions (7):

Ambry Genetics
Classification: Uncertain significance for Hereditary cancer-predisposing syndrome. Last evaluated: 2025-01-17. Review status: criteria provided, single submitter. Criteria: Ambry Variant Classification Scheme 2023. Collection method: clinical testing. Allele origin: germline.
Comment: The p.R545W variant (also known as c.1633C>T), located in coding exon 11 of the CDH1 gene, results from a C to T substitution at nucleotide position 1633. The arginine at codon 545 is replaced by tryptophan, an amino acid with dissimilar properties. This alteration was observed in 1/7051 unselected female breast cancer patients and was not detected in 11241 female controls of Japanese ancestry (Momozawa Y et al. Nat Commun, 2018 10;9:4083). This alteration was also identified in 1/12503 unselected Japanese colorectal cancer patients and in 0/23705 controls (Fujita M et al. Clin Gastroenterol Hepatol, 2022 09;20:2132-2141.e9). This amino acid position is not well conserved in available vertebrate species. In addition, this alteration is predicted to be tolerated by in silico analysis. Since supporting evidence is limited at this time, the clinical significance of this alteration remains unclear.

Labcorp Genetics (formerly Invitae), Labcorp
Classification: Uncertain significance for Hereditary diffuse gastric adenocarcinoma. Last evaluated: 2024-11-04. Review status: criteria provided, single submitter. Criteria: Invitae Variant Classification Sherloc (09022015). Collection method: clinical testing. Allele origin: germline.
Comment: This sequence change replaces arginine, which is basic and polar, with tryptophan, which is neutral and slightly polar, at codon 545 of the CDH1 protein (p.Arg545Trp). This variant is present in population databases (no rsID available, gnomAD 0.003%). This missense change has been observed in individual(s) with breast cancer (PMID: 30287823). ClinVar contains an entry for this variant (Variation ID: 446218). An algorithm developed to predict the effect of missense changes on protein structure and function (PolyPhen-2) suggests that this variant is likely to be disruptive. In summary, the available evidence is currently insufficient to determine the role of this variant in disease. Therefore, it has been classified as a Variant of Uncertain Significance.

Baylor Genetics
Classification: Uncertain significance for Familial cancer of breast. Last evaluated: 2023-12-27. Review status: criteria provided, single submitter. Criteria: ACMG Guidelines, 2015. Collection method: clinical testing. Allele origin: unknown.

GeneDx
Classification: Uncertain significance. Last evaluated: 2019-10-28. Review status: criteria provided, single submitter. Criteria: GeneDx Variant Classification Process June 2021. Collection method: clinical testing. Allele origin: germline. Affected: yes.
Comment: Not observed at a significant frequency in large population cohorts (Lek 2016); In silico analysis, which includes protein predictors and evolutionary conservation, supports a deleterious effect; Observed in individuals with breast cancer (Momozawa 2018); This variant is associated with the following publications: (PMID: 30287823)

Color Diagnostics, LLC DBA Color Health
Classification: Uncertain significance for Hereditary cancer-predisposing syndrome. Last evaluated: 2018-10-28. Review status: criteria provided, single submitter. Criteria: ACMG Guidelines, 2015. Collection method: clinical testing. Allele origin: germline.

MVZ Praenatalmedizin und Genetik Nuernberg
Classification: Uncertain significance for Familial cancer of breast. Last evaluated: 2017-11-01. Review status: no assertion criteria provided. Collection method: clinical testing. Allele origin: germline. Inheritance: Autosomal dominant inheritance. Affected: yes. Observed: 1 variant allele, 1 heterozygote. Not counted in ClinVar's aggregate classification.
Comment: This rare/private variant (gnomAD: 1/246266 alleles) was not found in databases and literature, only 1 COSMIC-entry. Multiple in silico analyses are contradictory. Therefore we rate this variant as Variant of unknown significance (VUS)

Department of Pathology and Laboratory Medicine, Sinai Health System
Classification: Uncertain significance. Review status: no assertion criteria provided. Collection method: clinical testing. Allele origin: unknown. Affected: yes. Study: The Canadian Open Genetics Repository (COGR). Not counted in ClinVar's aggregate classification.
Comment: The CDH1 p.Arg545Trp variant was not identified in the literature. The variant was identified in dbSNP (ID: rs863224727) as â€šÃ„ÃºWith Uncertain significance alleleâ€šÃ„Ã¹ and ClinVar (as uncertain significance by Invitae and one other submitter). The variant was identified in control databases in 1 of 246266 chromosomes at a frequency of 0.000004 (Genome Aggregation Database Feb 27, 2017). The variant was observed in the South Asian population in 1 of 30778 chromosomes (freq: 0.000032), while the variant was not observed in the African, Other, Latino, European Non-Finnish, Ashkenazi Jewish, East Asian, or European Finnish populations. The p.Arg545 residue is conserved in mammals but not in more distantly related organisms and four out of five computational analyses (PolyPhen-2, SIFT, AlignGVGD, BLOSUM, MutationTaster) suggest that the Trp variant may impact the protein; however, this information is not predictive enough to assume pathogenicity. The variant occurs outside of the splicing consensus sequence and in silico or computational prediction software programs (SpliceSiteFinder, MaxEntScan, NNSPLICE, GeneSplicer) do not predict a difference in splicing. In summary, based on the above information, the clinical significance of this variant cannot be determined with certainty at this time. This variant is classified as a variant of uncertain significance.

Literature cited by the submitters: PubMed 30287823 (cited by Ambry Genetics and Labcorp Genetics (formerly Invitae), Labcorp); PubMed 32885271 (cited by Ambry Genetics); PubMed 33309985 (cited by Ambry Genetics).